The following is an entry in ClinVar:

NM_000179.3(MSH6):c.2070C>A (p.Tyr690Ter)

Gene: MSH6 (mutS homolog 6; plus strand). Cytogenetic location: 2p16.3.
Variant type: single nucleotide variant.
Coding change: c.2070C>A on transcript NM_000179.3 (MANE Select); coding-DNA position 2070, C replaced by A.
Protein change: p.Tyr690Ter; replaces tyrosine 690 with a stop codon.
Molecular consequence: nonsense.
Genome position (GRCh38, 1-based): chr2:47,800,053, C>A. VCF-style: chr2-47800053-C-A. GRCh37 (hg19) VCF-style: chr2-48027192-C-A.
Other names: c.1680C>A, p.Tyr560Ter (NM_001281492.2); c.1164C>A, p.Tyr388Ter (NM_001281493.2, NM_001281494.2); short protein forms Y690*, Y388*, Y560*.
Identifiers: ClinVar variation 479905 (VCV000479905.6), dbSNP rs559125434, ClinGen allele CA346750796.
Genomic context (GRCh38, chr2:47,800,053, plus strand): 5'-GTTGACACCAGGAGAGAAAAGTGAATTGGCCCTCTCTGCTCTAGGTGGTTGTGTCTTCTA[C>A]CTCAAAAAATGCCTTATTGATCAGGAGCTTTTATCAATGGCTAATTTTGAAGAATATATT-3'

ClinVar aggregate classification (germline): Pathogenic. Review status: criteria provided, multiple submitters, no conflicts (2 of 4 stars). 2 submissions from 2 submitters: Pathogenic (2). Last evaluated 2024-10-24.

Conditions:
Hereditary cancer-predisposing syndrome. Also called: Hereditary Cancer Syndrome; Neoplastic Syndromes, Hereditary; Tumor predisposition; Hereditary neoplastic syndrome. Identifiers: Orphanet 140162, MedGen C0027672, MeSH D009386, MONDO:0015356.
Lynch syndrome 5 (LYNCH5). Also called: Colorectal cancer, hereditary nonpolyposis, type 5; Hereditary non-polyposis colorectal cancer, type 5. Identifiers: Orphanet 144, MedGen C1833477, MONDO:0013710, OMIM 614350. Disease mechanism: loss of function.

Submissions (2):

Myriad Genetics, Inc.
Classification: Pathogenic for Lynch syndrome 5. Last evaluated: 2024-10-24. Review status: criteria provided, single submitter. Criteria: Myriad Autosomal Dominant, Autosomal Recessive and X-Linked Classification Criteria (2023). Collection method: clinical testing. Allele origin: unknown.
Comment: This variant is considered pathogenic. This variant creates a termination codon and is predicted to result in premature protein truncation.

Ambry Genetics
Classification: Pathogenic for Hereditary cancer-predisposing syndrome. Last evaluated: 2016-04-19. Review status: criteria provided, single submitter. Criteria: Ambry Variant Classification Scheme 2023. Collection method: clinical testing. Allele origin: germline.
Comment: The p.Y690* pathogenic mutation (also known as c.2070C>A), located in coding exon 4 of the MSH6 gene, results from a C to A substitution at nucleotide position 2070. This changes the amino acid from a tyrosine to a stop codon within coding exon 4. This alteration is expected to result in loss of function by premature protein truncation or nonsense-mediated mRNA decay. As such, this alteration is interpreted as a disease-causing mutation.